The following is an entry in ClinVar:

NM_000433.4(NCF2):c.290C>T (p.Ala97Val)

Gene: NCF2 (neutrophil cytosolic factor 2; minus strand). Cytogenetic location: 1q25.3.
Variant type: single nucleotide variant.
Coding change: c.290C>T on transcript NM_000433.4 (MANE Select); coding-DNA position 290, C replaced by T.
Protein change: p.Ala97Val; replaces alanine 97 with valine.
Molecular consequence: missense variant.
Genome position (GRCh38, 1-based): chr1:183,577,675, G>A on the plus strand (C>T on the coding strand, the complement: NCF2 is on the minus strand). VCF-style: chr1-183577675-G-A. GRCh37 (hg19) VCF-style: chr1-183546810-G-A.
Other names: c.290C>T, p.Ala97Val (NM_001127651.3, NM_001190789.2, NM_001190794.2 and 1 more transcripts); short protein forms A97V.
Identifiers: ClinVar variation 5003156 (VCV005003156.1).

ClinVar aggregate classification (germline): Uncertain significance (1 of 4 stars; one submission).

Conditions:
Granulomatous disease, chronic, autosomal recessive, cytochrome b-positive, type 2. Also called: GRANULOMATOUS DISEASE, CHRONIC, AUTOSOMAL RECESSIVE, 2; CGD, AUTOSOMAL RECESSIVE CYTOCHROME b-POSITIVE, TYPE II; GRANULOMATOUS DISEASE, CHRONIC, DUE TO NCF2 DEFICIENCY; Chronic granulomatous disease due to deficiency of NCF-2; Chronic Granulomatous Disease, Autosomal Recessive, Cytochrome b-Positive, Type II. Identifiers: Orphanet 379, MedGen C1856245, MONDO:0009310, OMIM 233710.

Submission:

OLLIN Analises Genomicas, OLLIN
Classification: Uncertain significance for Granulomatous disease, chronic, autosomal recessive, cytochrome b-positive, type 2. Last evaluated: 2026-08-06. Review status: criteria provided, single submitter. Criteria: ACMG Guidelines 2015 PMID 25741868. Collection method: clinical testing. Allele origin: germline.
Comment: This missense variant, located in exon 3 (of 15), is absent from gnomAD and ClinVar and has not been identified in the literature. In silico analysis is inconclusive regarding the impact of this variant. According to the currently available evidence, this variant has been classified as uncertain significance (PM2_P).